The following is an entry in ClinVar:

NM_001458.5(FLNC):c.3454G>T (p.Val1152Leu)

Gene: FLNC (filamin C; plus strand). Cytogenetic location: 7q32.1.
Variant type: single nucleotide variant.
Coding change: c.3454G>T on transcript NM_001458.5 (MANE Select); coding-DNA position 3454, G replaced by T.
Protein change: p.Val1152Leu; replaces valine 1152 with leucine.
Molecular consequence: missense variant.
Genome position (GRCh38, 1-based): chr7:128,844,919, G>T. VCF-style: chr7-128844919-G-T. GRCh37 (hg19) VCF-style: chr7-128484973-G-T.
Other names: c.3454G>T, p.Val1152Leu (NM_001127487.2); short protein forms V1152L.
Identifiers: ClinVar variation 1019932 (VCV001019932.9), dbSNP rs1396046243, ClinGen allele CA369196954.

ClinVar aggregate classification (germline): Uncertain significance (1 of 4 stars; one submission).

Conditions:
Hypertrophic cardiomyopathy 26. Also called: Cardiomyopathy, familial hypertrophic, 26. Identifiers: Orphanet 75249, MedGen C4310749, MONDO:0014883, OMIM 617047.
Myofibrillar myopathy 5. Also called: FILAMINOPATHY, AUTOSOMAL DOMINANT; Filaminopathy (type). Identifiers: Orphanet 171445, MedGen C1836050, MONDO:0012289, OMIM 609524.
Distal myopathy with posterior leg and anterior hand involvement. Also called: WILLIAMS DISTAL MYOPATHY. Identifiers: Orphanet 63273, MedGen C3279722, MONDO:0013550, OMIM 614065.

Allele frequency attached by ClinVar (database versions not stated): gnomAD exomes below 0.00001 and 0.00001.
gnomAD v4.1: 9 of 1,613,920 alleles (0.00056%); highest among the groups gnomAD compares: Non-Finnish European, 0.00076%; no homozygotes.

Submission:

Labcorp Genetics (formerly Invitae), Labcorp
Classification: Uncertain significance for Distal myopathy with posterior leg and anterior hand involvement; Myofibrillar myopathy 5; Hypertrophic cardiomyopathy 26. Last evaluated: 2025-09-14. Review status: criteria provided, single submitter. Criteria: Invitae Variant Classification Sherloc (09022015). Collection method: clinical testing. Allele origin: germline.
Comment: This sequence change replaces valine, which is neutral and non-polar, with leucine, which is neutral and non-polar, at codon 1152 of the FLNC protein (p.Val1152Leu). This variant is present in population databases (no rsID available, gnomAD 0.0009%). This variant has not been reported in the literature in individuals affected with FLNC-related conditions. ClinVar contains an entry for this variant (Variation ID: 1019932). Invitae Evidence Modeling of protein sequence and biophysical properties (such as structural, functional, and spatial information, amino acid conservation, physicochemical variation, residue mobility, and thermodynamic stability) has been performed for this missense variant. However, the output from this modeling did not meet the statistical confidence thresholds required to predict the impact of this variant on FLNC protein function. In summary, the available evidence is currently insufficient to determine the role of this variant in disease. Therefore, it has been classified as a Variant of Uncertain Significance.